The following is an entry in ClinVar:

NM_000179.3(MSH6):c.2036T>G (p.Leu679Trp)

Gene: MSH6 (mutS homolog 6; plus strand). Cytogenetic location: 2p16.3.
Variant type: single nucleotide variant.
Coding change: c.2036T>G on transcript NM_000179.3 (MANE Select); coding-DNA position 2036, T replaced by G.
Protein change: p.Leu679Trp; replaces leucine 679 with tryptophan.
Molecular consequence: missense variant.
Genome position (GRCh38, 1-based): chr2:47,800,019, T>G. VCF-style: chr2-47800019-T-G. GRCh37 (hg19) VCF-style: chr2-48027158-T-G.
Other names: c.1646T>G, p.Leu549Trp (NM_001281492.2); c.1130T>G, p.Leu377Trp (NM_001281493.2, NM_001281494.2); short protein forms L377W, L679W, L549W.
Identifiers: ClinVar variation 1523593 (VCV001523593.8), dbSNP rs781668793, ClinGen allele CA346750734.

ClinVar aggregate classification (germline): Uncertain significance (1 of 4 stars; one submission).

Conditions:
Hereditary nonpolyposis colorectal neoplasms. Identifiers: MedGen C0009405, MeSH D003123.

Submission:

Labcorp Genetics (formerly Invitae), Labcorp
Classification: Uncertain significance for Hereditary nonpolyposis colorectal neoplasms. Last evaluated: 2025-09-16. Review status: criteria provided, single submitter. Criteria: Invitae Variant Classification Sherloc (09022015). Collection method: clinical testing. Allele origin: germline.
Comment: This sequence change replaces leucine, which is neutral and non-polar, with tryptophan, which is neutral and slightly polar, at codon 679 of the MSH6 protein (p.Leu679Trp). This variant is not present in population databases (gnomAD no frequency). This variant has not been reported in the literature in individuals affected with MSH6-related conditions. ClinVar contains an entry for this variant (Variation ID: 1523593). Invitae Evidence Modeling of protein sequence and biophysical properties (such as structural, functional, and spatial information, amino acid conservation, physicochemical variation, residue mobility, and thermodynamic stability) indicates that this missense variant is expected to disrupt MSH6 protein function with a positive predictive value of 80%. In summary, the available evidence is currently insufficient to determine the role of this variant in disease. Therefore, it has been classified as a Variant of Uncertain Significance.